The following is an entry in ClinVar:

NM_001035.3(RYR2):c.11092-13_11092-11del

Gene: RYR2 (ryanodine receptor 2; plus strand). Cytogenetic location: 1q43.
Variant type: Deletion.
Coding change: c.11092-13_11092-11del on transcript NM_001035.3 (MANE Select); 13 bases into the intron before coding-DNA position 11092 through 11 bases into the intron before coding-DNA position 11092, 3 bases deleted (TTT; older notation c.11092-13_11092-11delTTT).
Molecular consequence: intron variant.
Genome position (GRCh38, 1-based): chr1:237,742,283-237,742,285, TTT deleted; deleting any 3 consecutive bases within chr1:237,742,271-237,742,285 gives the same sequence; the c. name uses the placement nearest the transcript's 3' end. VCF-style (leftmost placement, unchanged base first): chr1-237742270-CTTT-C. GRCh37 (hg19) VCF-style: chr1-237905570-CTTT-C.
Other names: NC_000001.10:g.237905583_237905585del.
Identifiers: ClinVar variation 928594 (VCV000928594.2), dbSNP rs397516499, ClinGen allele CA1013759355.

ClinVar aggregate classification (germline): Likely benign (1 of 4 stars; one submission).

Submissions (2):

Women's Health and Genetics/Laboratory Corporation of America, LabCorp
Classification: Likely benign. Last evaluated: 2019-10-15. Review status: criteria provided, single submitter. Criteria: LabCorp Variant Classification Summary - May 2015. Collection method: clinical testing. Allele origin: germline.
Comment: Variant summary: RYR2 c.11092-13_11092-11delTTT deletes three Ts in a polyT region located close to a canonical splice site. 5/5 computational tools predict no significant impact on normal splicing. However, these predictions have yet to be confirmed by functional studies. The variant was absent in 70234 control chromosomes (gnomAD). The available data on variant occurrences in the general population are insufficient to allow any conclusion about variant significance. To our knowledge, no occurrence of c.11092-13_11092-11delTTT in individuals affected with Arrhythmia and no experimental evidence demonstrating an impact on protein function have been reported. Co-occurrence with a pathogenic variant has been reported (PKP2 c.2197_2202delinsG, p.His733fsX8; internal sample), providing supporting evidence for a benign role. No clinical diagnostic laboratories have submitted clinical-significance assessments for this variant to ClinVar after 2014. Based on the evidence outlined above, the variant was classified as likely benign.

Dr. Peter K. Rogan Lab, Western University
No classification provided (evidence only). Condition: Uterine corpus endometrial carcinoma. Review status: no classification provided. Collection method: in vitro. Allele origin: not applicable. Functional consequence: retained intron. Not counted in ClinVar's aggregate classification.